The following is an entry in ClinVar:

NM_002025.4(AFF2):c.2201C>G (p.Pro734Arg)

Gene: AFF2 (ALF transcription elongation factor 2; plus strand). Cytogenetic location: Xq28.
Variant type: single nucleotide variant.
Coding change: c.2201C>G on transcript NM_002025.4 (MANE Select); coding-DNA position 2201, C replaced by G.
Protein change: p.Pro734Arg; replaces proline 734 with arginine.
Molecular consequence: missense variant.
Genome position (GRCh38, 1-based): chrX:148,956,246, C>G. VCF-style: chrX-148956246-C-G. GRCh37 (hg19) VCF-style: chrX-148037776-C-G.
Other names: c.2102C>G, p.Pro701Arg (NM_001169122.2); c.2171C>G, p.Pro724Arg (NM_001169123.2); c.2096C>G, p.Pro699Arg (NM_001169124.2); c.2084C>G, p.Pro695Arg (NM_001169125.2); c.1124C>G, p.Pro375Arg (NM_001170628.1); short protein forms P375R, P695R, P699R, P701R, P724R, P734R.
Identifiers: ClinVar variation 4538641 (VCV004538641.1).

ClinVar aggregate classification (germline): Uncertain significance (1 of 4 stars; one submission).

gnomAD v4.1: 2 of 1,211,776 alleles (0.00017%); highest among the groups gnomAD compares: Non-Finnish European, 0.00022%; no homozygotes.

Submission:

GeneDx
Classification: Uncertain significance. Last evaluated: 2025-06-17. Review status: criteria provided, single submitter. Criteria: GeneDx Variant Classification Process June 2021. Collection method: clinical testing. Allele origin: germline. Affected: yes.
Comment: Not observed at significant frequency in large population cohorts (gnomAD); In silico analysis supports that this missense variant has a deleterious effect on protein structure/function; Has not been previously published as pathogenic or benign to our knowledge